The following is an entry in ClinVar:

ClinVar aggregate classification (germline): Likely benign. Review status: criteria provided, multiple submitters, no conflicts (2 of 4 stars). 2 submissions from 2 submitters: Likely benign (2). Last evaluated 2024-06-09.

Conditions:
Malignant hyperthermia, susceptibility to, 1 (MHS1). Also called: RYR1-Related Malignant Hyperthermia Susceptibility; Anesthesia related hyperthermia; Malignant hyperpyrexia; Fulminating hyperpyrexia; Pharmacogenic myopathy; Malignant hyperthermia suceptibility 1. Identifiers: Orphanet 423, MedGen C2930980, MONDO:0007783, OMIM 145600.
RYR1-related disorder. Also called: RYR1-related condition; RYR1-related disorders. Identifiers: MedGen CN239331.

Allele frequency attached by ClinVar (database versions not stated): gnomAD exomes below 0.00001 and 0.00001; ExAC 0.00001.
gnomAD v4.1: 2 of 1,613,314 alleles (0.00012%); highest among the groups gnomAD compares: South Asian, 0.0011%; no homozygotes.

Submissions (2):

All of Us Research Program, National Institutes of Health
Classification: Likely benign for Malignant hyperthermia, susceptibility to, 1. Last evaluated: 2024-06-09. Review status: criteria provided, single submitter. Criteria: ACMG Guidelines, 2015. Collection method: clinical testing. Allele origin: germline. Inheritance: Autosomal dominant inheritance. Observed: 1 variant allele, 1 heterozygote.
Comment: This study involves interpretation of variants in research participants for the purpose of population health screening. Participant phenotype was not available at the time of variant classification. Additional details can be found in publication PMID: 35346344, PMCID: PMC8962531

Labcorp Genetics (formerly Invitae), Labcorp
Classification: Likely benign for RYR1-related disorder. Last evaluated: 2017-10-19. Review status: criteria provided, single submitter. Criteria: Invitae Variant Classification Sherloc (09022015). Collection method: clinical testing. Allele origin: germline.

NM_000540.3(RYR1):c.11337G>A (p.Leu3779=)

Gene: RYR1 (ryanodine receptor 1; plus strand). Cytogenetic location: 19q13.2.
Variant type: single nucleotide variant.
Coding change: c.11337G>A on transcript NM_000540.3 (MANE Select); coding-DNA position 11337, G replaced by A.
Protein change: p.Leu3779=; no amino-acid change (leucine 3779 retained).
Molecular consequence: synonymous variant.
Genome position (GRCh38, 1-based): chr19:38,534,797, G>A. VCF-style: chr19-38534797-G-A. GRCh37 (hg19) VCF-style: chr19-39025437-G-A.
Other names: c.11322G>A, p.Leu3774= (NM_001042723.2).
Identifiers: ClinVar variation 544470 (VCV000544470.5), dbSNP rs755875434, ClinGen allele CA056740.